The following is an entry in ClinVar:

NM_001605.3(AARS1):c.1778T>C (p.Ile593Thr)

Gene: AARS1 (alanyl-tRNA synthetase 1; minus strand). Cytogenetic location: 16q22.1.
Variant type: single nucleotide variant.
Coding change: c.1778T>C on transcript NM_001605.3 (MANE Select); coding-DNA position 1778, T replaced by C.
Protein change: p.Ile593Thr; replaces isoleucine 593 with threonine.
Molecular consequence: missense variant.
Genome position (GRCh38, 1-based): chr16:70,261,051, A>G on the plus strand (T>C on the coding strand, the complement: AARS1 is on the minus strand). VCF-style: chr16-70261051-A-G. GRCh37 (hg19) VCF-style: chr16-70294954-A-G.
Other names: short protein forms I593T.
Identifiers: ClinVar variation 2996103 (VCV002996103.3), dbSNP rs2507000707, ClinGen allele CA396559129.

ClinVar aggregate classification (germline): Uncertain significance (1 of 4 stars; one submission).

Conditions:
Charcot-Marie-Tooth disease type 2. Also called: Charcot-Marie-Tooth type 2. Identifiers: Orphanet 64746, MedGen C0270914, MONDO:0018993.

Allele frequency attached by ClinVar (database versions not stated): gnomAD exomes below 0.00001.
gnomAD v4.1: 3 of 1,613,110 alleles (0.00019%); highest among the groups gnomAD compares: South Asian, 0.0011%; no homozygotes.

Submission:

Labcorp Genetics (formerly Invitae), Labcorp
Classification: Uncertain significance for Charcot-Marie-Tooth disease type 2. Last evaluated: 2023-02-21. Review status: criteria provided, single submitter. Criteria: Invitae Variant Classification Sherloc (09022015). Collection method: clinical testing. Allele origin: germline.
Comment: In summary, the available evidence is currently insufficient to determine the role of this variant in disease. Therefore, it has been classified as a Variant of Uncertain Significance. Advanced modeling of protein sequence and biophysical properties (such as structural, functional, and spatial information, amino acid conservation, physicochemical variation, residue mobility, and thermodynamic stability) performed at Invitae indicates that this missense variant is not expected to disrupt AARS protein function. This variant has not been reported in the literature in individuals affected with AARS-related conditions. This variant is not present in population databases (gnomAD no frequency). This sequence change replaces isoleucine, which is neutral and non-polar, with threonine, which is neutral and polar, at codon 593 of the AARS protein (p.Ile593Thr).